The following is an entry in ClinVar:

ClinVar aggregate classification (germline): Pathogenic (1 of 4 stars; one submission).

Conditions:
Diamond-Blackfan anemia 1 (DBA1). Also called: RPS19-Related Diamond-Blackfan Anemia; BLACKFAN-DIAMOND SYNDROME; ANEMIA, CONGENITAL HYPOPLASTIC, OF BLACKFAN AND DIAMOND; ANEMIA, CONGENITAL ERYTHROID HYPOPLASTIC; RED CELL APLASIA, PURE, HEREDITARY; AREGENERATIVE ANEMIA, CHRONIC CONGENITAL. Identifiers: Orphanet 124, MedGen C2676137, MONDO:0007110, OMIM 105650.

Submission:

Johns Hopkins Genomics, Johns Hopkins University
Classification: Pathogenic for Diamond-Blackfan anemia 1. Last evaluated: 2020-08-17. Review status: criteria provided, single submitter. Criteria: ACMG Guidelines, 2015. Collection method: clinical testing. Allele origin: germline.
Comment: This frameshift variant results in a premature stop codon, likely leading to nonsense-mediated decay and lack of protein production. RPS19 c.295_296delinsCAGCCGA is absent from a large population dataset and has not been reported in ClinVar nor the literature, to our knowledge. Loss-of-function variants in RPS19 are known to be pathogenic. We consider this variant to be pathogenic.

Literature cited by the submitters: PubMed 20960466.

NM_001022.4(RPS19):c.295_296delinsCAGCCGA (p.Val99fs)

Genes: RPS19 (ribosomal protein S19; plus strand), RPS19-CD79A (RPS19-CD79A readthrough; plus strand). Cytogenetic location: 19q13.2.
Variant type: Indel.
Coding change: c.295_296delinsCAGCCGA on transcript NM_001022.4 (MANE Select); coding-DNA positions 295 to 296, GT replaced by CAGCCGA.
Protein change: p.Val99fs; shifts the reading frame from valine 99.
Molecular consequence: frameshift variant.
Genome position (GRCh38, 1-based): chr19:41,869,153-41,869,154, GT replaced by CAGCCGA. VCF-style: chr19-41869153-GT-CAGCCGA. GRCh37 (hg19) VCF-style: chr19-42373223-GT-CAGCCGA.
Other names: c.295_296delinsCAGCCGA, p.Val99fs (NM_001321483.2, NM_001321484.2); c.308_309delinsCAGCCGA, p.Cys103fs (NM_001321485.2); short protein forms C103fs, V99fs.
Identifiers: ClinVar variation 977494 (VCV000977494.1), dbSNP rs2074119405, ClinGen allele CA1139666470.
Genomic context (GRCh38, chr19:41,869,153, plus strand): 5'-TATGGGGGACGTCAGAGAAACGGCGTCATGCCCAGCCACTTCAGCCGAGGCTCCAAGAGT[GT>CAGCCGA]GGCCCGCCGGGTCCTCCAAGCCCTGGAGGGGCTGAAAATGGTGGAAAAGGACCAAGATGG-3'